The following is an entry in ClinVar:

ClinVar aggregate classification (germline): Uncertain significance. Review status: criteria provided, multiple submitters, no conflicts (2 of 4 stars). 5 submissions from 5 submitters: Uncertain significance (4). 1 of the submissions does not count toward it. Last evaluated 2024-08-06.

Conditions:
MASS syndrome (OCTD). Also called: OVERLAP CONNECTIVE TISSUE DISEASE; MASS PHENOTYPE. Identifiers: MedGen C1858556, MONDO:0011431, OMIM 604308.
Progeroid and marfanoid aspect-lipodystrophy syndrome. Also called: MARFANOID-PROGEROID SYNDROME; MARFAN-PROGEROID-LIPODYSTROPHY SYNDROME; Marfan lipodystrophy syndrome; MARFANOID-PROGEROID-LIPODYSTROPHY SYNDROME. Identifiers: Orphanet 300382, MedGen C4310796, MONDO:0014831, OMIM 616914.
Ectopia lentis 1, isolated, autosomal dominant (ECTOL1). Identifiers: Orphanet 1885, MedGen C3541518, MONDO:0007514, OMIM 129600.
Weill-Marchesani syndrome 2, dominant. Also called: Weill-Marchesani Syndrome, Autosomal Dominant; FBN1-Related Weill-Marchesani Syndrome. Identifiers: Orphanet 2084, MedGen C1869115, MONDO:0012013, OMIM 608328.
Acromicric dysplasia (ACMICD). Also called: Acromicric skeletal dysplasia. Identifiers: Orphanet 969, MedGen C0265287, MONDO:0007055, OMIM 102370.
Geleophysic dysplasia 2 (GPHYSD2). Identifiers: Orphanet 2623, MedGen C3280054, MONDO:0013612, OMIM 614185.
Stiff skin syndrome (SSKS). Identifiers: Orphanet 2833, MedGen C1861456, MONDO:0008492, OMIM 184900.
Marfan syndrome (MFS). Also called: Marfan syndrome type 1; Marfan syndrome, classic; Marfan's syndrome; FBN1-Related Marfan Syndrome; MARFAN SYNDROME, TYPE I. Identifiers: Orphanet 284963, Orphanet 558, MedGen C0024796, MONDO:0007947, OMIM 154700.
Familial thoracic aortic aneurysm and aortic dissection (TAAD). Also called: Thoracic aortic aneurysms and dissections. Identifiers: Orphanet 91387, MedGen C4707243, MONDO:0019625.

Allele frequency attached by ClinVar (database versions not stated): gnomAD exomes 0.00001 and below 0.00001; 1000 Genomes Project 30x 0.00016; TOPMed 0.00002; 1000 Genomes Project 0.00020; gnomAD 0.00003.
gnomAD v4.1: 9 of 1,614,178 alleles (0.00056%); highest among the groups gnomAD compares: African/African-American, 0.0027%; no homozygotes.

Submissions (5):

All of Us Research Program, National Institutes of Health
Classification: Uncertain significance for Marfan syndrome. Last evaluated: 2024-08-06. Review status: criteria provided, single submitter. Criteria: ACMG Guidelines, 2015. Collection method: clinical testing. Allele origin: germline. Inheritance: Autosomal dominant inheritance. Observed: 4 variant alleles, 4 heterozygotes.
Comment: This missense variant replaces arginine with cysteine at codon 1075 of the FBN1 protein. Computational prediction tools and conservation analyses suggest that this variant may have deleterious impact on the protein function. Computational splicing tools suggest that this variant may not impact RNA splicing. To our knowledge, functional assays have not been performed for this variant nor has this variant been reported in individuals affected with cardiovascular disorders in the literature. This variant has been identified in 3/282854 chromosomes in the general population by the Genome Aggregation Database (gnomAD). Available evidence is insufficient to determine the role of this variant in disease conclusively. Therefore, this variant is classified as a Variant of Uncertain Significance.

This study involves interpretation of variants in research participants for the purpose of population health screening. Participant phenotype was not available at the time of variant classification. Additional details can be found in publication PMID: 35346344, PMCID: PMC8962531

Color Diagnostics, LLC DBA Color Health
Classification: Uncertain significance for Familial thoracic aortic aneurysm and aortic dissection. Last evaluated: 2023-06-21. Review status: criteria provided, single submitter. Criteria: ACMG Guidelines, 2015. Collection method: clinical testing. Allele origin: germline.
Comment: This missense variant replaces arginine with cysteine at codon 1075 of the FBN1 protein. Computational prediction is inconclusive regarding the impact of this variant on protein structure and function (internally defined REVEL score threshold 0.5 < inconclusive < 0.7, PMID: 27666373). To our knowledge, functional studies have not been reported for this variant. This variant has not been reported in individuals affected with FBN1-related disorders in the literature. This variant has been identified in 3/282854 chromosomes in the general population by the Genome Aggregation Database (gnomAD). The available evidence is insufficient to determine the role of this variant in disease conclusively. Therefore, this variant is classified as a Variant of Uncertain Significance.

Fulgent Genetics
Classification: Uncertain significance for Acromicric dysplasia; Ectopia lentis 1, isolated, autosomal dominant; Marfan syndrome; Stiff skin syndrome; MASS syndrome; Weill-Marchesani syndrome 2, dominant; Geleophysic dysplasia 2; Progeroid and marfanoid aspect-lipodystrophy syndrome. Last evaluated: 2022-04-29. Review status: criteria provided, single submitter. Criteria: ACMG Guidelines, 2015. Collection method: clinical testing. Allele origin: unknown.

Labcorp Genetics (formerly Invitae), Labcorp
Classification: Uncertain significance for Marfan syndrome; Familial thoracic aortic aneurysm and aortic dissection. Last evaluated: 2021-12-13. Review status: criteria provided, single submitter. Criteria: Invitae Variant Classification Sherloc (09022015). Collection method: clinical testing. Allele origin: germline.
Comment: This sequence change replaces arginine, which is basic and polar, with cysteine, which is neutral and slightly polar, at codon 1075 of the FBN1 protein (p.Arg1075Cys). This variant is present in population databases (rs186805359, gnomAD 0.004%). This variant has not been reported in the literature in individuals affected with FBN1-related conditions. ClinVar contains an entry for this variant (Variation ID: 549144). Advanced modeling of protein sequence and biophysical properties (such as structural, functional, and spatial information, amino acid conservation, physicochemical variation, residue mobility, and thermodynamic stability) performed at Invitae indicates that this missense variant is expected to disrupt FBN1 protein function. In summary, the available evidence is currently insufficient to determine the role of this variant in disease. Therefore, it has been classified as a Variant of Uncertain Significance.

Center for Medical Genetics Ghent, University of Ghent
Classification: Uncertain significance for Marfan syndrome. Last evaluated: 2017-11-07. Review status: no assertion criteria provided. Collection method: clinical testing. Allele origin: germline. Affected: yes. Not counted in ClinVar's aggregate classification.

NM_000138.5(FBN1):c.3223C>T (p.Arg1075Cys)

Gene: FBN1 (fibrillin 1; minus strand). Cytogenetic location: 15q21.1.
Variant type: single nucleotide variant.
Coding change: c.3223C>T on transcript NM_000138.5 (MANE Select); coding-DNA position 3223, C replaced by T.
Protein change: p.Arg1075Cys; replaces arginine 1075 with cysteine.
Molecular consequence: missense variant.
Genome position (GRCh38, 1-based): chr15:48,488,227, G>A on the plus strand (C>T on the coding strand, the complement: FBN1 is on the minus strand). VCF-style: chr15-48488227-G-A. GRCh37 (hg19) VCF-style: chr15-48780424-G-A.
Other names: short protein forms R1075C.
Identifiers: ClinVar variation 549144 (VCV000549144.12), dbSNP rs186805359, ClinGen allele CA269532121.